The following is an entry in ClinVar:

NM_144599.5(NIPA1):c.*4156A>G

Gene: NIPA1 (NIPA magnesium transporter 1; plus strand). Cytogenetic location: 15q11.2.
Variant type: single nucleotide variant.
Coding change: c.*4156A>G on transcript NM_144599.5 (MANE Select); 4156 bases downstream of the stop codon, A replaced by G.
Molecular consequence: 3 prime UTR variant.
Genome position (GRCh38, 1-based): chr15:22,828,395, A>G. VCF-style: chr15-22828395-A-G. GRCh37 (hg19) VCF-style: chr15-23044673-T-C.
Other names: c.*4156A>G (NM_001142275.1).
Identifiers: ClinVar variation 315350 (VCV000315350.5), dbSNP rs577403895, ClinGen allele CA10635710.

ClinVar aggregate classification (germline): Likely benign (1 of 4 stars; one submission).

Conditions:
Hereditary spastic paraplegia 6 (SPG6). Also called: SPASTIC PARAPLEGIA 6, AUTOSOMAL DOMINANT. Identifiers: Orphanet 100988, MedGen C1838192, MONDO:0010878, OMIM 600363.

Allele frequency attached by ClinVar (database versions not stated): gnomAD 0.00002 and 0.00013; TOPMed 0.00004; 1000 Genomes Project 30x 0.00062; 1000 Genomes Project 0.00080.

Submission:

Illumina Laboratory Services, Illumina
Classification: Likely benign for Hereditary spastic paraplegia 6. Last evaluated: 2018-01-12. Review status: criteria provided, single submitter. Criteria: ICSL Variant Classification Criteria 13 December 2019. Collection method: clinical testing. Allele origin: germline.
Comment: This variant was observed in the ICSL laboratory as part of a predisposition screen in an ostensibly healthy population. It had not been previously curated by ICSL or reported in the Human Gene Mutation Database (HGMD: prior to June 1st, 2018), and was therefore a candidate for classification through an automated scoring system. Utilizing variant allele frequency, disease prevalence and penetrance estimates, and inheritance mode, an automated score was calculated to assess if this variant is too frequent to cause the disease. Based on the score and internal cut-off values, a variant classified as likely benign is not then subjected to further curation. The score for this variant resulted in a classification of likely benign for this disease.